The following is an entry in ClinVar:

NM_001042492.3(NF1):c.3827G>T (p.Arg1276Leu)

Gene: NF1 (neurofibromin 1; plus strand). Cytogenetic location: 17q11.2.
Variant type: single nucleotide variant.
Coding change: c.3827G>T on transcript NM_001042492.3 (MANE Select); coding-DNA position 3827, G replaced by T.
Protein change: p.Arg1276Leu; replaces arginine 1276 with leucine.
Molecular consequence: missense variant.
Genome position (GRCh38, 1-based): chr17:31,235,729, G>T. VCF-style: chr17-31235729-G-T. GRCh37 (hg19) VCF-style: chr17-29562747-G-T.
Other names: c.3827G>T, p.Arg1276Leu (NM_000267.4); short protein forms R1276L.
Identifiers: ClinVar variation 694608 (VCV000694608.9), dbSNP rs137854556, ClinGen allele CA398992755.
Genomic context (GRCh38, chr17:31,235,729, plus strand): 5'-TGCTCTGGAACATGTTTTCTAAAGAAGTAGAATTGGCAGACTCCATGCAGACTCTCTTCC[G>T]AGGCAACAGCTTGGCCAGTAAAATAATGACATTCTGTTTCAAGGTTTGTATCATTCATTT-3'
Protein context (NP_001035957.1, residues 1266-1286): ELADSMQTLF[Arg1276Leu]GNSLASKIMT

ClinVar aggregate classification (germline): Pathogenic/Likely pathogenic. Review status: criteria provided, multiple submitters, no conflicts (2 of 4 stars). 4 submissions from 4 submitters: Pathogenic (3); Likely pathogenic (1). Last evaluated 2025-08-08.

Conditions:
Neurofibromatosis, type 1 (NF1). Also called: Peripheral type neurofibromatosis; Neurofibromatosis, type I; VON RECKLINGHAUSEN DISEASE; NEUROFIBROMATOSIS, TYPE I, SOMATIC. Identifiers: Orphanet 636, MedGen C0027831, MONDO:0018975, OMIM 162200. Disease mechanism: loss of function.

Submissions (4):

Labcorp Genetics (formerly Invitae), Labcorp
Classification: Pathogenic for Neurofibromatosis, type 1. Last evaluated: 2025-08-08. Review status: criteria provided, single submitter. Criteria: Invitae Variant Classification Sherloc (09022015). Collection method: clinical testing. Allele origin: germline.
Comment: This sequence change replaces arginine, which is basic and polar, with leucine, which is neutral and non-polar, at codon 1276 of the NF1 protein (p.Arg1276Leu). This variant is not present in population databases (gnomAD no frequency). This missense change has been observed in individual(s) with neurofibromatosis type 1 (PMID: 31595648). Invitae Evidence Modeling of clinical and family history, age, sex, and reported ancestry of multiple individuals with this NF1 variant has been performed. This variant is expected to be pathogenic with a positive predictive value of at least 99%. This is a validated machine learning model that incorporates the clinical features of 1,785,918 individuals referred to our laboratory for NF1 testing. ClinVar contains an entry for this variant (Variation ID: 694608). Invitae Evidence Modeling of protein sequence and biophysical properties (such as structural, functional, and spatial information, amino acid conservation, physicochemical variation, residue mobility, and thermodynamic stability) indicates that this missense variant is expected to disrupt NF1 protein function with a positive predictive value of 95%. This variant disrupts the p.Arg1276 amino acid residue in NF1. Other variant(s) that disrupt this residue have been determined to be pathogenic (PMID: 10712197, 15060124, 16479075, 19221814, 23668869, 27322474). This suggests that this residue is clinically significant, and that variants that disrupt this residue are likely to be disease-causing. For these reasons, this variant has been classified as Pathogenic.

3billion
Classification: Likely pathogenic for Neurofibromatosis, type 1. Last evaluated: 2024-09-24. Review status: criteria provided, single submitter. Criteria: ACMG Guidelines, 2015. Collection method: clinical testing. Allele origin: germline. Affected: yes.
Comment: The variant is not observed in the gnomAD v4.0.0 dataset. Predicted Consequence/Location: Missense variant In silico tool predictions suggest damaging effect of the variant on gene or gene product [REVEL: 0.92 (>=0.6, sensitivity 0.68 and specificity 0.92); 3Cnet: 0.99 (>=0.6, sensitivity 0.72 and precision 0.9)]. The same nucleotide change resulting in the same amino acid change has been previously reported as pathogenic/likely pathogenic with strong evidence (ClinVar ID: VCV000694608 /PMID: 31595648). Different missense changes at the same codon (p.Arg1276Gln, p.Arg1276Glu, p.Arg1276Gly, p.Arg1276Pro) have been reported as pathogenic/likely pathogenic with strong evidence (ClinVar ID: VCV000000353, VCV000068340, VCV000068341 /PMID: 10712197, 15060124, 31595648, 9668168 /3billion dataset). Therefore, this variant is classified as Likely pathogenic according to the recommendation of ACMG/AMP guideline.

Genome-Nilou Lab
Classification: Pathogenic for Neurofibromatosis, type 1. Last evaluated: 2022-03-15. Review status: criteria provided, single submitter. Criteria: ACMG Guidelines, 2015. Collection method: clinical testing. Allele origin: germline. Affected: no.

UAB Medical Genomics Laboratory, UAB Medicine
Classification: Pathogenic for Neurofibromatosis, type 1. Last evaluated: 2019-06-05. Review status: criteria provided, single submitter. Criteria: ACMG Guidelines, 2015. Collection method: clinical testing. Allele origin: inherited. Affected: yes.

Literature cited by the submitters: PubMed 31595648 (cited by 3 submitters); PubMed 10712197 (cited by Labcorp Genetics (formerly Invitae), Labcorp and 3billion); PubMed 15060124 (cited by Labcorp Genetics (formerly Invitae), Labcorp); PubMed 16479075 (cited by Labcorp Genetics (formerly Invitae), Labcorp); PubMed 19221814 (cited by Labcorp Genetics (formerly Invitae), Labcorp); PubMed 23668869 (cited by Labcorp Genetics (formerly Invitae), Labcorp); PubMed 27322474 (cited by Labcorp Genetics (formerly Invitae), Labcorp); PubMed 29290338 (cited by UAB Medical Genomics Laboratory, UAB Medicine).